The following is an entry in ClinVar:

ClinVar aggregate classification (germline): Uncertain significance (1 of 4 stars; one submission).

Conditions:
Arrhythmogenic cardiomyopathy with wooly hair and keratoderma. Also called: Carvajal syndrome; PALMOPLANTAR KERATODERMA WITH LEFT VENTRICULAR CARDIOMYOPATHY AND WOOLLY HAIR; Dilated cardiomyopathy with woolly hair and keratoderma; Arrhythmogenic cardiomyopathy with woolly hair and keratoderma. Identifiers: Orphanet 65282, MedGen C1854063, MONDO:0011581, OMIM 605676.

Allele frequency attached by ClinVar (database versions not stated): gnomAD exomes below 0.00001; gnomAD 0.00001; ExAC 0.00002.

Submission:

All of Us Research Program, National Institutes of Health
Classification: Uncertain significance for Arrhythmogenic cardiomyopathy with wooly hair and keratoderma. Last evaluated: 2023-03-23. Review status: criteria provided, single submitter. Criteria: ACMG Guidelines, 2015. Collection method: clinical testing. Allele origin: germline. Inheritance: Autosomal dominant inheritance. Observed: 1 variant allele, 1 heterozygote.
Comment: This missense variant replaces methionine with valine at codon 195 of the DSP protein. Computational prediction suggests that this variant may not impact protein structure and function (internally defined REVEL score threshold <= 0.5, PMID: 27666373). To our knowledge, functional studies have not been reported for this variant. This variant has not been reported in individuals affected with DSP-related disorders in the literature. This variant has been identified in 2/250636 chromosomes in the general population by the Genome Aggregation Database (gnomAD). The available evidence is insufficient to determine the role of this variant in disease conclusively. Therefore, this variant is classified as a Variant of Uncertain Significance.

This study involves interpretation of variants in research participants for the purpose of population health screening. Participant phenotype was not available at the time of variant classification. Additional details can be found in publication PMID: 35346344, PMCID: PMC8962531

NM_004415.4(DSP):c.583A>G (p.Met195Val)

Gene: DSP (desmoplakin; plus strand). Cytogenetic location: 6p24.3.
Variant type: single nucleotide variant.
Coding change: c.583A>G on transcript NM_004415.4 (MANE Select); coding-DNA position 583, A replaced by G.
Protein change: p.Met195Val; replaces methionine 195 with valine.
Molecular consequence: missense variant.
Genome position (GRCh38, 1-based): chr6:7,559,386, A>G. VCF-style: chr6-7559386-A-G. GRCh37 (hg19) VCF-style: chr6-7559619-A-G.
Other names: c.583A>G, p.Met195Val (NM_001008844.3, NM_001319034.2, NM_001406591.1); short protein forms M195V.
Identifiers: ClinVar variation 3069913 (VCV003069913.1), dbSNP rs766215916, ClinGen allele CA045910.